The following is an entry in ClinVar:

NM_058216.3(RAD51C):c.3G>T (p.Met1Ile)

Gene: RAD51C (RAD51 paralog C; plus strand). Cytogenetic location: 17q22.
Variant type: single nucleotide variant.
Coding change: c.3G>T on transcript NM_058216.3 (MANE Select); coding-DNA position 3, G replaced by T.
Protein change: p.Met1Ile; changes the start codon (methionine 1).
Molecular consequence: missense variant, initiator codon variant. On other transcripts: non-coding transcript variant (2).
Genome position (GRCh38, 1-based): chr17:58,692,646, G>T. VCF-style: chr17-58692646-G-T. GRCh37 (hg19) VCF-style: chr17-56770007-G-T.
Other names: c.3G>T, p.Met1Ile (NM_002876.4); short protein forms M1I.
Identifiers: ClinVar variation 216798 (VCV000216798.31), dbSNP rs769053886, ClinGen allele CA337230.

ClinVar aggregate classification (germline): Uncertain significance. Review status: criteria provided, multiple submitters, no conflicts (2 of 4 stars). 8 submissions from 8 submitters: Uncertain significance (8). Last evaluated 2026-02-10.

Conditions:
RAD51C-related disorder. Also called: RAD51C-related condition; RAD51C-related disorders.
Breast-ovarian cancer, familial, susceptibility to, 3. Also called: RAD51C-Related Breast/Ovarian Cancer. Identifiers: Orphanet 145, MedGen C3150659, MONDO:0013253, OMIM 613399.
Fanconi anemia complementation group O. Also called: RAD51C-Related Fanconi Anemia. Identifiers: Orphanet 84, MedGen C3150653, MONDO:0013248, OMIM 613390.
Hereditary cancer-predisposing syndrome. Also called: Neoplastic Syndromes, Hereditary; Tumor predisposition; Hereditary Cancer Syndrome; Hereditary neoplastic syndrome. Identifiers: Orphanet 140162, MedGen C0027672, MeSH D009386, MONDO:0015356.

Allele frequency attached by ClinVar (database versions not stated): TOPMed 0.00001.

Submissions (8):

PreventionGenetics, part of Exact Sciences
Classification: Uncertain significance for RAD51C-related condition. Last evaluated: 2026-02-10. Review status: criteria provided, single submitter. Criteria: ACMG Guidelines, 2015. Collection method: clinical testing. Allele origin: germline.
Comment: The RAD51C c.3G>T variant is predicted to disrupt the translation initiation site (Start loss). It is unknown if the c.3G>T variant disrupts protein translation, or if an alternate methionine located at codon 10 acts as a functional initiation codon rescuing protein translation (French et al. 2003. PubMed ID: 12966089). This variant has been reported in an individual with breast cancer (Supplemental Table 4, Kraus et al. 2017. PubMed ID: 27616075). To our knowledge, this variant has not been reported in a large population database (gnomad) and has been interpreted as variant of uncertain significance in the ClinVar database (Variation ID: 216798). At this time, the clinical significance of this variant is uncertain due to the absence of conclusive functional and genetic evidence.

Labcorp Genetics (formerly Invitae), Labcorp
Classification: Uncertain significance for Fanconi anemia complementation group O. Last evaluated: 2025-11-30. Review status: criteria provided, single submitter. Criteria: Invitae Variant Classification Sherloc (09022015). Collection method: clinical testing. Allele origin: germline.
Comment: This sequence change affects the initiator codon of the RAD51C mRNA. This change may impact translation initiation or efficiency. The next in-frame methionine is located at codon 10. This variant is not present in population databases (gnomAD no frequency). Disruption of the initiator codon has been observed in individual(s) with breast cancer (PMID: 27616075). ClinVar contains an entry for this variant (Variation ID: 216798). Experimental studies and prediction algorithms are not available or were not evaluated, and the functional significance of this variant is currently unknown. In summary, the available evidence is currently insufficient to determine the role of this variant in disease. Therefore, it has been classified as a Variant of Uncertain Significance.

Dasa
Classification: Uncertain significance. Last evaluated: 2025-09-04. Review status: criteria provided, single submitter. Criteria: DASA Assertion Criteria. Collection method: clinical testing. Allele origin: germline.
Comment: NM_058216.3(RAD51C):c.3G>T (p.Met1?) is a start-loss variant predicted to alter the translation initiation codon and impair normal protein translation. This variant is rare in population databases. The currently available literature and clinical evidence are not sufficient to establish a definitive association between this variant and the reported condition. Therefore, this variant is classified as a variant of uncertain significance.

Ambry Genetics
Classification: Uncertain significance for Hereditary cancer-predisposing syndrome. Last evaluated: 2025-07-08. Review status: criteria provided, single submitter. Criteria: Ambry Variant Classification Scheme 2023. Collection method: clinical testing. Allele origin: germline.
Comment: The p.M1? variant (also known as c.3G>T) is located in coding exon 1 of the RAD51C gene and results from a G to T substitution at nucleotide position 3. This alters the methionine residue at the initiation codon. Variations that modify the initiation codon (ATG) are expected to result in either loss of translation initiation, N-terminal truncation, or cause a shift in the mRNA reading frame; however, there is an in-frame methionine 9 amino acids from the initiation site, which may result in N-terminal truncation of unknown functional significance. Since supporting evidence is limited at this time, the clinical significance of this alteration remains unclear.

Color Diagnostics, LLC DBA Color Health
Classification: Uncertain significance for Hereditary cancer-predisposing syndrome. Last evaluated: 2025-01-07. Review status: criteria provided, single submitter. Criteria: ACMG Guidelines, 2015. Collection method: clinical testing. Allele origin: germline.
Comment: This variant affects the translation start codon of the RAD51C gene and may result in an absent or non-functional protein product. However, an in-frame methionine 9 codons downstream may function as an alternative start codon and is located before the first known functional domain (RAD51B/RAD51D/XRCC3 interacting domain at amino acids 79-136) of the RAD51C protein. A functional study has shown that the RAD51C protein produced from this downstream methionine can function similarly to the wild type protein (PMID: 12966089). This variant has been reported in an individual affected with breast cancer (PMID: 27616075). This variant has not been identified in the general population by the Genome Aggregation Database (gnomAD). The available evidence is insufficient to determine the role of this variant in disease conclusively. Therefore, this variant is classified as a Variant of Uncertain Significance.

Fulgent Genetics
Classification: Uncertain significance for Fanconi anemia complementation group O; Breast-ovarian cancer, familial, susceptibility to, 3. Last evaluated: 2024-03-04. Review status: criteria provided, single submitter. Criteria: ACMG Guidelines, 2015. Collection method: clinical testing. Allele origin: germline.

GeneDx
Classification: Uncertain significance. Last evaluated: 2023-05-30. Review status: criteria provided, single submitter. Criteria: GeneDx Variant Classification Process June 2021. Collection method: clinical testing. Allele origin: germline. Affected: yes.
Comment: Not observed at significant frequency in large population cohorts (gnomAD); Initiation codon variant in a gene for which a downstream in-frame ATG could serve as an alternate initiator codon, with published functional studies reporting the shortened product to retain wild-type function (French et al., 2003); Observed in an individual with breast cancer (Kraus et al., 2017); This variant is associated with the following publications: (PMID: 14704354, 22167183, 12966089, 25292178, 27616075)

Women's Health and Genetics/Laboratory Corporation of America, LabCorp
Classification: Uncertain significance. Last evaluated: 2017-05-08. Review status: criteria provided, single submitter. Criteria: LabCorp Variant Classification Summary - May 2015. Collection method: clinical testing. Allele origin: germline.
Comment: Variant summary: The RAD51C c.3G>T (p.Met1Ile) variant causes a missense change involving the alteration of a non-conserved nucleotide that alters the initiation codon and is predicted to result either in absence of the protein or truncation of the encoded protein due to translation initiation at a downstream codon. 4/4 in silico tools predict a benign outcome for this variant (SNPsandGO not captured due to low reliability index). The human gene for RAD51C, has two potential start codons, 27 base pairs apart, neither of which is an ideal sequence context compared with the Kozak consensus (French_TheJofBioChem_2003). A functional study showed that a cDNA with a 5 truncation intended to delete the first ATG codon, resulted in a protein that maintained its ability to complement the mitomycin-C sensitivity to a very similar level to the WT in a RAD51C-deficient cell line through the use of the adjacent ATG downstream in the sequence (data not shown)(French_TheJofBioChem_2003). The variant of interest was absent in a large, broad control population, ExAC in 120822 control chromosomes. In addition, multiple clinical diagnostic laboratories/reputable databases classified this variant as uncertain significance. Taken together, this variant is classified as VUS, although a benign effect for this variant cannot be ruled out.

Literature cited by the submitters: PubMed 27616075 (cited by 4 submitters); PubMed 12966089 (cited by Color Diagnostics, LLC DBA Color Health and Women's Health and Genetics/Laboratory Corporation of America, LabCorp).